The following is an entry in ClinVar:

ClinVar aggregate classification (germline): Likely benign. Review status: criteria provided, single submitter (1 of 4 stars). 2 submissions from 2 submitters: Likely benign (1). 1 of the submissions does not count toward it. Last evaluated 2024-11-24.

Conditions:
UNC80-related disorder. Also called: UNC80-related condition.

Allele frequency attached by ClinVar (database versions not stated): gnomAD 0.00001; TOPMed 0.00002; gnomAD exomes 0.00004.

Submissions (2):

Labcorp Genetics (formerly Invitae), Labcorp
Classification: Likely benign. Last evaluated: 2024-11-24. Review status: criteria provided, single submitter. Criteria: Invitae Variant Classification Sherloc (09022015). Collection method: clinical testing. Allele origin: germline.

PreventionGenetics, part of Exact Sciences
Classification: Likely benign for UNC80-related condition. Last evaluated: 2019-09-10. Review status: no assertion criteria provided. Collection method: clinical testing. Allele origin: germline. Not counted in ClinVar's aggregate classification.
Comment: This variant is classified as likely benign based on ACMG/AMP sequence variant interpretation guidelines (Richards et al. 2015 PMID: 25741868, with internal and published modifications).

NM_001371986.1(UNC80):c.2700C>T (p.Ile900=)

Gene: UNC80 (unc-80 subunit of NALCN channel complex; plus strand). Cytogenetic location: 2q34.
Variant type: single nucleotide variant.
Coding change: c.2700C>T on transcript NM_001371986.1 (MANE Select); coding-DNA position 2700, C replaced by T.
Protein change: p.Ile900=; no amino-acid change (isoleucine 900 retained).
Molecular consequence: synonymous variant.
Genome position (GRCh38, 1-based): chr2:209,831,516, C>T. VCF-style: chr2-209831516-C-T. GRCh37 (hg19) VCF-style: chr2-210696240-C-T.
Other names: c.2700C>T, p.Ile900= (NM_032504.2); c.2685C>T, p.Ile895= (NM_182587.4).
Identifiers: ClinVar variation 3040685 (VCV003040685.4), dbSNP rs995706379, ClinGen allele CA64677737.